The following is an entry in ClinVar:

NM_014714.4(IFT140):c.2876G>A (p.Arg959Gln)

Genes: IFT140 (intraflagellar transport 140; minus strand), LOC126862260 (CDK7 strongly-dependent group 2 enhancer GRCh37_chr16:1574508-1575707; plus strand). Cytogenetic location: 16p13.3.
Variant type: single nucleotide variant.
Coding change: c.2876G>A on transcript NM_014714.4 (MANE Select); coding-DNA position 2876, G replaced by A.
Protein change: p.Arg959Gln; replaces arginine 959 with glutamine.
Molecular consequence: missense variant.
Genome position (GRCh38, 1-based): chr16:1,524,905, C>T on the plus strand (G>A on the coding strand, the complement: IFT140 is on the minus strand). VCF-style: chr16-1524905-C-T. GRCh37 (hg19) VCF-style: chr16-1574906-C-T.
Other names: c.2876G>A (NM_014714.3); short protein forms R959Q.
Identifiers: ClinVar variation 1004717 (VCV001004717.13), dbSNP rs148240226, ClinGen allele CA7813433.

ClinVar aggregate classification (germline): Conflicting classifications of pathogenicity. Review status: criteria provided, conflicting classifications (1 of 4 stars). 5 submissions from 5 submitters: Uncertain significance (4); Likely benign (1). Last evaluated 2026-01-14.

Conditions:
Retinal dystrophy. Also called: Inherited retinal dystrophy. Identifiers: Orphanet 71862, MedGen C0854723, MeSH D058499, MONDO:0019118, HP:0000556.
IFT140-related disorder. Also called: IFT140-related condition.
Inborn genetic diseases. Identifiers: MedGen C0950123, MeSH D030342.
Saldino-Mainzer syndrome (SRTD9). Also called: SHORT-RIB THORACIC DYSPLASIA 9 WITHOUT POLYDACTYLY; CONORENAL SYNDROME; short-rib thoracic dysplasia 9 with or without polydactyly; Renal dysplasia, retinal pigmentary dystrophy, cerebellar ataxia and skeletal dysplasia. Identifiers: Orphanet 140969, MedGen C1849437, MONDO:0009964, OMIM 266920.
Retinitis pigmentosa 80 (RP80). Identifiers: MedGen C4540439, MONDO:0054708, OMIM 617781.

Allele frequency attached by ClinVar (database versions not stated): TOPMed 0.00005; gnomAD exomes 0.00006; gnomAD 0.00007; ExAC 0.00008; ESP Exome Variant Server 0.00008.
gnomAD v4.1: 74 of 1,608,210 alleles (0.0046%); highest among the groups gnomAD compares: East Asian, 0.036%; 1 homozygote.

Submissions (5):

Labcorp Genetics (formerly Invitae), Labcorp
Classification: Likely benign for Saldino-Mainzer syndrome. Last evaluated: 2026-01-14. Review status: criteria provided, single submitter. Criteria: Invitae Variant Classification Sherloc (09022015). Collection method: clinical testing. Allele origin: germline.

Ambry Genetics
Classification: Uncertain significance for Inborn genetic diseases. Last evaluated: 2025-11-04. Review status: criteria provided, single submitter. Criteria: Ambry Variant Classification Scheme 2023. Collection method: clinical testing. Allele origin: germline.

PreventionGenetics, part of Exact Sciences
Classification: Uncertain significance for IFT140-related condition. Last evaluated: 2024-10-03. Review status: criteria provided, single submitter. Criteria: ACMG Guidelines, 2015. Collection method: clinical testing. Allele origin: germline.
Comment: The IFT140 c.2876G>A variant is predicted to result in the amino acid substitution p.Arg959Gln. To our knowledge, this variant has not been reported in the literature. This variant is reported in 0.020% of alleles in individuals of East Asian descent in gnomAD. At this time, the clinical significance of this variant is uncertain due to the absence of conclusive functional and genetic evidence.

Fulgent Genetics
Classification: Uncertain significance for Saldino-Mainzer syndrome; Retinitis pigmentosa 80. Last evaluated: 2024-02-09. Review status: criteria provided, single submitter. Criteria: ACMG Guidelines, 2015. Collection method: clinical testing. Allele origin: germline.

Dept Of Ophthalmology, Nagoya University
Classification: Uncertain significance for Retinal dystrophy. Last evaluated: 2023-10-01. Review status: criteria provided, single submitter. Criteria: Submitter's publication. Collection method: research. Allele origin: germline. Affected: yes.